The following is an entry in ClinVar:

ClinVar aggregate classification (germline): Uncertain significance (1 of 4 stars; one submission).

Submission:

Labcorp Genetics (formerly Invitae), Labcorp
Classification: Uncertain significance. Last evaluated: 2025-05-26. Review status: criteria provided, single submitter. Criteria: Invitae Variant Classification Sherloc (09022015). Collection method: clinical testing. Allele origin: germline.
Comment: This variant, c.2824_2826del, results in the deletion of 1 amino acid(s) of the WDR62 protein (p.Leu942del), but otherwise preserves the integrity of the reading frame. This variant is present in population databases (no rsID available, gnomAD 0.007%). This variant has not been reported in the literature in individuals affected with WDR62-related conditions. Experimental studies and prediction algorithms are not available or were not evaluated, and the functional significance of this variant is currently unknown. In summary, the available evidence is currently insufficient to determine the role of this variant in disease. Therefore, it has been classified as a Variant of Uncertain Significance.

NM_001083961.2(WDR62):c.2824_2826del (p.Leu942del)

Gene: WDR62 (WD repeat domain 62; plus strand). Cytogenetic location: 19q13.12.
Variant type: Deletion.
Coding change: c.2824_2826del on transcript NM_001083961.2 (MANE Select); coding-DNA positions 2824 to 2826, 3 bases deleted (CTC; older notation c.2824_2826delCTC).
Protein change: p.Leu942del; deletes leucine 942.
Genome position (GRCh38, 1-based): chr19:36,100,832-36,100,834, CTC deleted; deleting any 3 consecutive bases within chr19:36,100,830-36,100,834 gives the same sequence; the c. name uses the placement nearest the transcript's 3' end. VCF-style (leftmost placement, unchanged base first): chr19-36100829-ATCC-A. GRCh37 (hg19) VCF-style: chr19-36591731-ATCC-A.
Other names: c.2809_2811del, p.Leu937del (NM_001411145.1); c.2824_2826del, p.Leu942del (NM_001411146.1, NM_173636.5); c.2473_2475del, p.Leu825del (NM_001411147.1); short protein forms L825del, L942del, L937del.
Identifiers: ClinVar variation 4776042 (VCV004776042.1).